The following is an entry in ClinVar:

ClinVar aggregate classification (germline): Benign/Likely benign. Review status: criteria provided, multiple submitters, no conflicts (2 of 4 stars). 4 submissions from 4 submitters: Benign (2); Likely benign (2). Last evaluated 2026-05-01.

Conditions:
Cleidocranial dysostosis (CLCD1). Also called: Cleidocranial Dysplasia Spectrum Disorder; cleidocranial dysplasia 1; Marie-Sainton disease. Identifiers: Orphanet 1452, MedGen C0008928, MONDO:0007340, OMIM 119600.

Allele frequency attached by ClinVar (database versions not stated): gnomAD 0.00001 and 0.00003; gnomAD exomes 0.00006 and 0.00021; TOPMed 0.00006; ESP Exome Variant Server 0.00008; 1000 Genomes Project 30x 0.00016; ExAC 0.00021.
gnomAD v4.1: 99 of 1,614,030 alleles (0.0061%); highest among the groups gnomAD compares: South Asian, 0.058%; no homozygotes.

Submissions (4):

CeGaT Center for Human Genetics Tuebingen
Classification: Likely benign. Last evaluated: 2026-05-01. Review status: criteria provided, single submitter. Criteria: CeGaT Center For Human Genetics Tuebingen Variant Classification Criteria Version 2. Collection method: clinical testing. Allele origin: germline. Affected: yes. Observed: 1 variant allele.
Comment: RUNX2: BP4, BP7

Labcorp Genetics (formerly Invitae), Labcorp
Classification: Benign. Last evaluated: 2025-07-10. Review status: criteria provided, single submitter. Criteria: Invitae Variant Classification Sherloc (09022015). Collection method: clinical testing. Allele origin: germline.

Blueprint Genetics
Classification: Likely benign. Last evaluated: 2024-09-20. Review status: criteria provided, single submitter. Criteria: ACMG Guidelines, 2015. Collection method: clinical testing. Allele origin: germline.

Illumina Laboratory Services, Illumina
Classification: Benign for Cleidocranial dysostosis. Last evaluated: 2018-01-13. Review status: criteria provided, single submitter. Criteria: ICSL Variant Classification Criteria 13 December 2019. Collection method: clinical testing. Allele origin: germline.
Comment: This variant was observed in the ICSL laboratory as part of a predisposition screen in an ostensibly healthy population. It had not been previously curated by ICSL or reported in the Human Gene Mutation Database (HGMD: prior to June 1st, 2018), and was therefore a candidate for classification through an automated scoring system. Utilizing variant allele frequency, disease prevalence and penetrance estimates, and inheritance mode, an automated score was calculated to assess if this variant is too frequent to cause the disease. Based on the score and internal cut-off values, a variant classified as benign is not then subjected to further curation. The score for this variant resulted in a classification of benign for this disease.

NM_001024630.4(RUNX2):c.933G>A (p.Thr311=)

Gene: RUNX2 (RUNX family transcription factor 2; plus strand). Cytogenetic location: 6p21.1.
Variant type: single nucleotide variant.
Coding change: c.933G>A on transcript NM_001024630.4 (MANE Select); coding-DNA position 933, G replaced by A.
Protein change: p.Thr311=; no amino-acid change (threonine 311 retained).
Molecular consequence: synonymous variant.
Genome position (GRCh38, 1-based): chr6:45,512,319, G>A. VCF-style: chr6-45512319-G-A. GRCh37 (hg19) VCF-style: chr6-45480056-G-A.
Other names: c.933G>A, p.Thr311= (NM_001015051.4); c.891G>A, p.Thr297= (NM_001278478.2, NM_001369405.1).
Identifiers: ClinVar variation 357095 (VCV000357095.15), dbSNP rs146314825, ClinGen allele CA3836529.